The following is an entry in ClinVar:

NM_001042492.3(NF1):c.2254dup (p.Arg752fs)

Gene: NF1 (neurofibromin 1; plus strand). Cytogenetic location: 17q11.2.
Variant type: Duplication.
Coding change: c.2254dup on transcript NM_001042492.3 (MANE Select); coding-DNA position 2254, one base duplicated (A; older notation c.2254dupA).
Protein change: p.Arg752fs; shifts the reading frame from arginine 752.
Molecular consequence: frameshift variant.
Genome position (GRCh38, 1-based): chr17:31,227,220, A duplicated; the last of 2 consecutive A bases (chr17:31,227,219-31,227,220); duplicating either gives the same sequence. VCF-style (leftmost placement, unchanged base first): chr17-31227218-G-GA. GRCh37 (hg19) VCF-style: chr17-29554236-G-GA.
Other names: c.2254dup, p.Arg752fs (NM_000267.4); short protein forms R752fs.
Identifiers: ClinVar variation 4721193 (VCV004721193.1).
Genomic context (GRCh38, chr17:31,227,218, plus strand): 5'-TCTCCATTGGCAGGCAGGGCTCTAAGTGCAGTAACTTGATTTGCTGTTGTATTTGCTTAG[G>GA]AAGAGCAGCACTTCAGAAAAGAGTGATGGCACTGCTGAGGCGCATTGAGCATCCCACTGC-3'

ClinVar aggregate classification (germline): Pathogenic (1 of 4 stars; one submission).

Conditions:
Neurofibromatosis, type 1 (NF1). Also called: NEUROFIBROMATOSIS, TYPE I, SOMATIC; VON RECKLINGHAUSEN DISEASE; Peripheral type neurofibromatosis; Neurofibromatosis, type I. Identifiers: Orphanet 636, MedGen C0027831, MONDO:0018975, OMIM 162200. Disease mechanism: loss of function.

Submission:

Labcorp Genetics (formerly Invitae), Labcorp
Classification: Pathogenic for Neurofibromatosis, type 1. Last evaluated: 2025-06-11. Review status: criteria provided, single submitter. Criteria: Invitae Variant Classification Sherloc (09022015). Collection method: clinical testing. Allele origin: germline.
Comment: This sequence change creates a premature translational stop signal (p.Arg752Lysfs*16) in the NF1 gene. It is expected to result in an absent or disrupted protein product. Loss-of-function variants in NF1 are known to be pathogenic (PMID: 10712197, 23913538). This variant is not present in population databases (gnomAD no frequency). This variant has not been reported in the literature in individuals affected with NF1-related conditions. For these reasons, this variant has been classified as Pathogenic.

Literature cited by the submitters: PubMed 10712197; PubMed 23913538.